The following is an entry in ClinVar:

NM_001099403.2(PRDM8):c.473T>C (p.Leu158Pro)

Genes: PRDM8 (PR/SET domain 8; plus strand), LOC126807094 (CDK7 strongly-dependent group 2 enhancer GRCh37_chr4:81121978-81123177; plus strand). Cytogenetic location: 4q21.21.
Variant type: single nucleotide variant.
Coding change: c.473T>C on transcript NM_001099403.2 (MANE Select); coding-DNA position 473, T replaced by C.
Protein change: p.Leu158Pro; replaces leucine 158 with proline.
Molecular consequence: missense variant.
Genome position (GRCh38, 1-based): chr4:80,201,935, T>C. VCF-style: chr4-80201935-T-C. GRCh37 (hg19) VCF-style: chr4-81123089-T-C.
Other names: c.473T>C, p.Leu158Pro (NM_020226.4); short protein forms L158P.
Identifiers: ClinVar variation 4777782 (VCV004777782.1).

ClinVar aggregate classification (germline): Uncertain significance (1 of 4 stars; one submission).

Conditions:
Early-onset Lafora body disease. Also called: Epilepsy, progressive myoclonic, 10. Identifiers: Orphanet 324290, MedGen C4225258, MONDO:0014717, OMIM 616640.

Submission:

Labcorp Genetics (formerly Invitae), Labcorp
Classification: Uncertain significance for Early-onset Lafora body disease. Last evaluated: 2025-05-18. Review status: criteria provided, single submitter. Criteria: Invitae Variant Classification Sherloc (09022015). Collection method: clinical testing. Allele origin: germline.
Comment: This sequence change replaces leucine, which is neutral and non-polar, with proline, which is neutral and non-polar, at codon 158 of the PRDM8 protein (p.Leu158Pro). This variant is not present in population databases (gnomAD no frequency). This variant has not been reported in the literature in individuals affected with PRDM8-related conditions. Invitae Evidence Modeling of protein sequence and biophysical properties (such as structural, functional, and spatial information, amino acid conservation, physicochemical variation, residue mobility, and thermodynamic stability) indicates that this missense variant is not expected to disrupt PRDM8 protein function with a negative predictive value of 80%. In summary, the available evidence is currently insufficient to determine the role of this variant in disease. Therefore, it has been classified as a Variant of Uncertain Significance.